The following is an entry in ClinVar:

NM_000059.4(BRCA2):c.1658del (p.Leu553fs)

Gene: BRCA2 (BRCA2 DNA repair associated; plus strand). Cytogenetic location: 13q13.1.
Variant type: Deletion.
Coding change: c.1658del on transcript NM_000059.4 (MANE Select); coding-DNA position 1658, one base deleted (T; older notation c.1658delT).
Protein change: p.Leu553fs; shifts the reading frame from leucine 553.
Molecular consequence: frameshift variant.
Genome position (GRCh38, 1-based): chr13:32,333,136, T deleted; the last of 2 consecutive T bases (chr13:32,333,135-32,333,136); deleting either gives the same sequence. VCF-style (leftmost placement, unchanged base first): chr13-32333134-CT-C. GRCh37 (hg19) VCF-style: chr13-32907271-CT-C.
Other names: c.1658delT, p.Leu553Tyrfs (NM_001406719.1, NM_001406720.1, NM_001406721.1); short protein forms L553fs.
Identifiers: ClinVar variation 1777398 (VCV001777398.2), dbSNP rs2548520728, ClinGen allele CA2580087097.

ClinVar aggregate classification (germline): Pathogenic (1 of 4 stars; one submission).

Conditions:
Hereditary cancer-predisposing syndrome. Also called: Neoplastic Syndromes, Hereditary; Tumor predisposition; Hereditary Cancer Syndrome; Hereditary neoplastic syndrome. Identifiers: Orphanet 140162, MedGen C0027672, MeSH D009386, MONDO:0015356.

Submission:

Ambry Genetics
Classification: Pathogenic for Hereditary cancer-predisposing syndrome. Last evaluated: 2018-12-17. Review status: criteria provided, single submitter. Criteria: Ambry Variant Classification Scheme 2023. Collection method: clinical testing. Allele origin: germline.
Comment: The c.1658delT pathogenic mutation, located in coding exon 9 of the BRCA2 gene, results from a deletion of one nucleotide at nucleotide position 1658, causing a translational frameshift with a predicted alternate stop codon. This alteration is expected to result in loss of function by premature protein truncation or nonsense-mediated mRNA decay. As such, this alteration is interpreted as a disease-causing mutation.